The following is an entry in ClinVar:

ClinVar aggregate classification (germline): Pathogenic (1 of 4 stars; one submission).

Conditions:
Birt-Hogg-Dube syndrome 1 (BHD1). Also called: FIBROFOLLICULOMAS WITH TRICHODISCOMAS AND ACROCHORDONS. Identifiers: Orphanet 122, MedGen CN375946, MONDO:0800445, OMIM 135150.

Submission:

Myriad Genetics, Inc.
Classification: Pathogenic for Birt-Hogg-Dube syndrome 1. Last evaluated: 2026-04-30. Review status: criteria provided, single submitter. Criteria: Myriad Autosomal Dominant, Autosomal Recessive and X-Linked Classification Criteria (2023). Collection method: clinical testing. Allele origin: unknown.
Comment: This variant is considered pathogenic. This variant creates a termination codon and is predicted to result in premature protein truncation.

NM_144997.7(FLCN):c.1197C>A (p.Cys399Ter)

Gene: FLCN (folliculin; minus strand). Cytogenetic location: 17p11.2.
Variant type: single nucleotide variant.
Coding change: c.1197C>A on transcript NM_144997.7 (MANE Select); coding-DNA position 1197, C replaced by A.
Protein change: p.Cys399Ter; replaces cysteine 399 with a stop codon.
Molecular consequence: nonsense.
Genome position (GRCh38, 1-based): chr17:17,216,483, G>T on the plus strand (C>A on the coding strand, the complement: FLCN is on the minus strand). VCF-style: chr17-17216483-G-T. GRCh37 (hg19) VCF-style: chr17-17119797-G-T.
Other names: c.1251C>A, p.Cys417Ter (NM_001353229.2); c.1197C>A, p.Cys399Ter (NM_001353230.2, NM_001353231.2); short protein forms C399*, C417*.
Identifiers: ClinVar variation 4875708 (VCV004875708.1).
Genomic context (GRCh38, chr17:17,216,483, plus strand): 5'-CCCCAGGAAGTTGCACCGATAGGCCTCCTCGTACTGGCTGCTGTATGGGATGATGCGGAC[G>T]CAGCCCACGGGAAGCATGGTCTGAGGAGGACAGCAGGACTCAGACCAAGGACACGAGGAA-3'